The following is an entry in ClinVar:

ClinVar aggregate classification (germline): Uncertain significance (1 of 4 stars; one submission).

Conditions:
Menkes kinky-hair syndrome (MNK). Also called: Copper transport disease; Menkes Disease; Classic Menkes Disease. Identifiers: Orphanet 565, MedGen C0022716, MONDO:0010651, OMIM 309400.

Submission:

3billion
Classification: Uncertain significance for Menkes kinky-hair syndrome. Last evaluated: 2024-01-30. Review status: criteria provided, single submitter. Criteria: ACMG Guidelines, 2015. Collection method: clinical testing. Allele origin: germline. Affected: yes.
Comment: The variant is not observed in the gnomAD v2.1.1 dataset. Predicted Consequence/Location: Intron variant In silico tools predict the variant to alter splicing and produce an abnormal transcript [SpliceAI: 0.28 (>=0.2, moderate evidence for spliceogenicity)]. Therefore, this variant is classified as VUS according to the recommendation of ACMG/AMP guideline.

NM_000052.7(ATP7A):c.1870-7T>A

Gene: ATP7A (ATPase copper transporting alpha; plus strand). Cytogenetic location: Xq21.1.
Variant type: single nucleotide variant.
Coding change: c.1870-7T>A on transcript NM_000052.7 (MANE Select); 7 bases into the intron before coding-DNA position 1870, T replaced by A.
Molecular consequence: intron variant.
Genome position (GRCh38, 1-based): chrX:78,011,169, T>A. VCF-style: chrX-78011169-T-A. GRCh37 (hg19) VCF-style: chrX-77266666-T-A.
Other names: c.1870-7T>A (NM_001282224.2).
Identifiers: ClinVar variation 3775225 (VCV003775225.1).